The following is an entry in ClinVar:

ClinVar aggregate classification (germline): Uncertain significance (1 of 4 stars; one submission).

Conditions:
RFT1-congenital disorder of glycosylation (CDG1N). Also called: RFT1-CDG; Congenital disorder of glycosylation type In; CDG In. Identifiers: Orphanet 244310, MedGen C2677590, MONDO:0012783, OMIM 612015.

Allele frequency attached by ClinVar (database versions not stated): ExAC 0.00001; gnomAD exomes 0.00001.
gnomAD v4.1: 7 of 1,612,182 alleles (0.00043%); highest among the groups gnomAD compares: Non-Finnish European, 0.00059%; no homozygotes.

Submission:

Labcorp Genetics (formerly Invitae), Labcorp
Classification: Uncertain significance for RFT1-congenital disorder of glycosylation. Last evaluated: 2022-06-29. Review status: criteria provided, single submitter. Criteria: Invitae Variant Classification Sherloc (09022015). Collection method: clinical testing. Allele origin: germline.
Comment: This sequence change replaces leucine, which is neutral and non-polar, with isoleucine, which is neutral and non-polar, at codon 225 of the RFT1 protein (p.Leu225Ile). This variant is present in population databases (rs761626080, gnomAD 0.002%). This variant has not been reported in the literature in individuals affected with RFT1-related conditions. Algorithms developed to predict the effect of missense changes on protein structure and function are either unavailable or do not agree on the potential impact of this missense change (SIFT: "Tolerated"; PolyPhen-2: "Possibly Damaging"; Align-GVGD: "Class C0"). In summary, the available evidence is currently insufficient to determine the role of this variant in disease. Therefore, it has been classified as a Variant of Uncertain Significance.

NM_052859.4(RFT1):c.673T>A (p.Leu225Ile)

Gene: RFT1 (RFT1 glycolipid translocator homolog; minus strand). Cytogenetic location: 3p21.1.
Variant type: single nucleotide variant.
Coding change: c.673T>A on transcript NM_052859.4 (MANE Select); coding-DNA position 673, T replaced by A.
Protein change: p.Leu225Ile; replaces leucine 225 with isoleucine.
Molecular consequence: missense variant.
Genome position (GRCh38, 1-based): chr3:53,119,907, A>T on the plus strand (T>A on the coding strand, the complement: RFT1 is on the minus strand). VCF-style: chr3-53119907-A-T. GRCh37 (hg19) VCF-style: chr3-53153923-A-T.
Other names: short protein forms L225I.
Identifiers: ClinVar variation 2416999 (VCV002416999.3), dbSNP rs761626080, ClinGen allele CA2451387.
Genomic context (GRCh38, chr3:53,119,907, plus strand): 5'-TGATTAAAATGATAAGAGATAAAAATGTATTACTTACTCCATTTCTTGTAATATTGGGTA[A>T]CAGATCTGTTATTCTGGAGACAGGAAGAGTTTGAAGCTTGGTTGATTCTGGGGAACCCAG-3'
Protein context (NP_443091.1, residues 215-235): TLPVSRITDL[Leu225Ile]PNITRNGAFI